The following is an entry in ClinVar:

NM_016203.4(PRKAG2):c.1676C>T (p.Ala559Val)

Gene: PRKAG2 (protein kinase AMP-activated non-catalytic subunit gamma 2; minus strand). Cytogenetic location: 7q36.1.
Variant type: single nucleotide variant.
Coding change: c.1676C>T on transcript NM_016203.4 (MANE Select); coding-DNA position 1676, C replaced by T.
Protein change: p.Ala559Val; replaces alanine 559 with valine.
Molecular consequence: missense variant.
Genome position (GRCh38, 1-based): chr7:151,560,526, G>A on the plus strand (C>T on the coding strand, the complement: PRKAG2 is on the minus strand). VCF-style: chr7-151560526-G-A. GRCh37 (hg19) VCF-style: chr7-151257612-G-A.
Other names: c.1544C>T, p.Ala515Val (NM_001040633.2); c.1301C>T, p.Ala434Val (NM_001304527.2); c.953C>T, p.Ala318Val (NM_001304531.2, NM_024429.2); c.1304C>T, p.Ala435Val (NM_001363698.2); short protein forms A434V, A435V, A515V, A559V, A318V.
Identifiers: ClinVar variation 925939 (VCV000925939.3), dbSNP rs1804693201, ClinGen allele CA370070229.

ClinVar aggregate classification (germline): Uncertain significance (1 of 4 stars; one submission).

Conditions:
Cardiomyopathy (CMYO). Also called: Cardiomyopathies. Identifiers: Orphanet 167848, MedGen C0878544, MONDO:0004994, HP:0001638. Inheritance: Various modes of inheritance.

Submission:

Color Diagnostics, LLC DBA Color Health
Classification: Uncertain significance for Cardiomyopathy. Last evaluated: 2018-12-06. Review status: criteria provided, single submitter. Criteria: ACMG Guidelines, 2015. Collection method: clinical testing. Allele origin: germline.
Comment: Variant of Uncertain Significance due to insufficient evidence: This variant is located in the nucleotide-binding CBS domain 4 of the PRKAG2 protein. Computational prediction tools and conservation analyses are inconclusive regarding the impact of this variant on the protein function. Computational splicing tools suggest that this variant may not impact RNA splicing. To our knowledge, functional assays have not been performed for this variant nor has this variant been reported in individuals affected with cardiovascular disorders in the literature. This variant is rare in the general population and has been identified in 0/277264 chromosomes by the Genome Aggregation Database (gnomAD). Available evidence is insufficient to determine the pathogenicity of this variant conclusively.